The following is an entry in ClinVar:

ClinVar aggregate classification (germline): Pathogenic (1 of 4 stars; one submission).

Submission:

Labcorp Genetics (formerly Invitae), Labcorp
Classification: Pathogenic. Last evaluated: 2023-06-15. Review status: criteria provided, single submitter. Criteria: Invitae Variant Classification Sherloc (09022015). Collection method: clinical testing. Allele origin: germline.
Comment: This sequence change creates a premature translational stop signal (p.Glu638*) in the SCLT1 gene. It is expected to result in an absent or disrupted protein product. Loss-of-function variants in SCLT1 are known to be pathogenic (PMID: 28005958). This variant is not present in population databases (gnomAD no frequency). This variant has not been reported in the literature in individuals affected with SCLT1-related conditions. For these reasons, this variant has been classified as Pathogenic.

Literature cited by the submitters: PubMed 28005958.

NM_144643.4(SCLT1):c.1912G>T (p.Glu638Ter)

Gene: SCLT1 (sodium channel and clathrin linker 1; minus strand). Cytogenetic location: 4q28.2.
Variant type: single nucleotide variant.
Coding change: c.1912G>T on transcript NM_144643.4 (MANE Select); coding-DNA position 1912, G replaced by T.
Protein change: p.Glu638Ter; replaces glutamic acid 638 with a stop codon.
Molecular consequence: nonsense.
Genome position (GRCh38, 1-based): chr4:128,888,771, C>A on the plus strand (G>T on the coding strand, the complement: SCLT1 is on the minus strand). VCF-style: chr4-128888771-C-A. GRCh37 (hg19) VCF-style: chr4-129809926-C-A.
Other names: short protein forms E638*.
Identifiers: ClinVar variation 2895009 (VCV002895009.3), dbSNP rs2530086166, ClinGen allele CA358187801.
Genomic context (GRCh38, chr4:128,888,771, plus strand): 5'-CCTGACTTAGACGCCTTTGAAGTCTGTTGGCTTTTTCTTGATGCTCTAGAATTAGCTTTT[C>A]ATTCTATTAAGGGGAAATAGAAAACAAGTTAGAAATCCATATGTGACATGGAGATGTTTT-3'